The following is an entry in ClinVar:

ClinVar aggregate classification (germline): Uncertain significance (1 of 4 stars; one submission).

Allele frequency attached by ClinVar (database versions not stated): gnomAD 0.00001; gnomAD exomes 0.00001.
gnomAD v4.1: 11 of 1,364,934 alleles (0.00081%); highest among the groups gnomAD compares: South Asian, 0.0091%; no homozygotes.

Submission:

Labcorp Genetics (formerly Invitae), Labcorp
Classification: Uncertain significance. Last evaluated: 2022-10-25. Review status: criteria provided, single submitter. Criteria: Invitae Variant Classification Sherloc (09022015). Collection method: clinical testing. Allele origin: germline.
Comment: In summary, the available evidence is currently insufficient to determine the role of this variant in disease. Therefore, it has been classified as a Variant of Uncertain Significance. Algorithms developed to predict the effect of missense changes on protein structure and function (SIFT, PolyPhen-2, Align-GVGD) all suggest that this variant is likely to be tolerated. This variant has not been reported in the literature in individuals affected with PCARE-related conditions. This variant is present in population databases (no rsID available, gnomAD 0.007%). This sequence change replaces phenylalanine, which is neutral and non-polar, with tyrosine, which is neutral and polar, at codon 1084 of the PCARE protein (p.Phe1084Tyr).

NM_001029883.3(PCARE):c.3251T>A (p.Phe1084Tyr)

Gene: PCARE (photoreceptor cilium actin regulator; minus strand). Cytogenetic location: 2p23.2.
Variant type: single nucleotide variant.
Coding change: c.3251T>A on transcript NM_001029883.3 (MANE Select); coding-DNA position 3251, T replaced by A.
Protein change: p.Phe1084Tyr; replaces phenylalanine 1084 with tyrosine.
Molecular consequence: missense variant.
Genome position (GRCh38, 1-based): chr2:29,071,011, A>T on the plus strand (T>A on the coding strand, the complement: PCARE is on the minus strand). VCF-style: chr2-29071011-A-T. GRCh37 (hg19) VCF-style: chr2-29293877-A-T.
Other names: short protein forms F1084Y.
Identifiers: ClinVar variation 2112923 (VCV002112923.4), dbSNP rs1223729421, ClinGen allele CA346475502.